The following is an entry in ClinVar:

ClinVar aggregate classification (germline): Uncertain significance. Review status: criteria provided, multiple submitters, no conflicts (2 of 4 stars). 3 submissions from 3 submitters: Uncertain significance (3). Last evaluated 2025-11-03.

Conditions:
Baller-Gerold syndrome (BGS). Also called: CRANIOSYNOSTOSIS WITH RADIAL DEFECTS. Identifiers: Orphanet 1225, MedGen C0265308, MONDO:0009039, OMIM 218600.
Rapadilino syndrome. Identifiers: Orphanet 3021, MedGen C1849453, MONDO:0009955, OMIM 266280.
Rothmund-Thomson syndrome type 2 (RTS2). Identifiers: Orphanet 221016, MedGen C5203410, MONDO:0016369, OMIM 268400.
Inborn genetic diseases. Identifiers: MedGen C0950123, MeSH D030342.

Allele frequency attached by ClinVar (database versions not stated): gnomAD exomes 0.00003; TOPMed 0.00003; ExAC 0.00004; gnomAD 0.00004.
gnomAD v4.1: 65 of 1,586,090 alleles (0.0041%); highest among the groups gnomAD compares: East Asian, 0.041%; no homozygotes.

Submissions (3):

Labcorp Genetics (formerly Invitae), Labcorp
Classification: Uncertain significance for Baller-Gerold syndrome. Last evaluated: 2025-11-03. Review status: criteria provided, single submitter. Criteria: Invitae Variant Classification Sherloc (09022015). Collection method: clinical testing. Allele origin: germline.
Comment: This sequence change replaces arginine, which is basic and polar, with histidine, which is basic and polar, at codon 710 of the RECQL4 protein (p.Arg710His). The frequency data for this variant in the population databases is considered unreliable, as metrics indicate poor data quality at this position in the gnomAD database. This variant has not been reported in the literature in individuals affected with RECQL4-related conditions. ClinVar contains an entry for this variant (Variation ID: 576723). Invitae Evidence Modeling of protein sequence and biophysical properties (such as structural, functional, and spatial information, amino acid conservation, physicochemical variation, residue mobility, and thermodynamic stability) indicates that this missense variant is expected to disrupt RECQL4 protein function with a positive predictive value of 80%. In summary, the available evidence is currently insufficient to determine the role of this variant in disease. Therefore, it has been classified as a Variant of Uncertain Significance.

Ambry Genetics
Classification: Uncertain significance for Inborn genetic diseases. Last evaluated: 2025-09-25. Review status: criteria provided, single submitter. Criteria: Ambry Variant Classification Scheme 2023. Collection method: clinical testing. Allele origin: germline.

Fulgent Genetics
Classification: Uncertain significance for Baller-Gerold syndrome; Rapadilino syndrome; Rothmund-Thomson syndrome type 2. Last evaluated: 2022-03-16. Review status: criteria provided, single submitter. Criteria: ACMG Guidelines, 2015. Collection method: clinical testing. Allele origin: unknown.

NM_004260.4(RECQL4):c.2129G>A (p.Arg710His)

Gene: RECQL4 (RecQ like helicase 4; minus strand). Cytogenetic location: 8q24.3.
Variant type: single nucleotide variant.
Coding change: c.2129G>A on transcript NM_004260.4 (MANE Select); coding-DNA position 2129, G replaced by A.
Protein change: p.Arg710His; replaces arginine 710 with histidine.
Molecular consequence: missense variant.
Genome position (GRCh38, 1-based): chr8:144,513,642, C>T on the plus strand (G>A on the coding strand, the complement: RECQL4 is on the minus strand). VCF-style: chr8-144513642-C-T. GRCh37 (hg19) VCF-style: chr8-145739026-C-T.
Other names: short protein forms R710H.
Identifiers: ClinVar variation 576723 (VCV000576723.10), dbSNP rs781121286, ClinGen allele CA4948458.